The following is an entry in ClinVar:

ClinVar aggregate classification (germline): Likely benign (1 of 4 stars; one submission).

Allele frequency attached by ClinVar (database versions not stated): gnomAD exomes below 0.00001; TOPMed below 0.00001; ExAC 0.00001.
gnomAD v4.1: 1 of 1,613,584 alleles (0.000062%); highest among the groups gnomAD compares: Non-Finnish European, 0.000085%; no homozygotes.

Submission:

CeGaT Center for Human Genetics Tuebingen
Classification: Likely benign. Last evaluated: 2022-08-01. Review status: criteria provided, single submitter. Criteria: CeGaT Center For Human Genetics Tuebingen Variant Classification Criteria Version 2. Collection method: clinical testing. Allele origin: germline. Affected: yes. Observed: 1 variant allele.
Comment: SP110: BP4, BP7

NM_080424.4(SP110):c.1773A>G (p.Val591=)

Gene: SP110 (SP110 nuclear body protein; minus strand). Cytogenetic location: 2q37.1.
Variant type: single nucleotide variant.
Coding change: c.1773A>G on transcript NM_080424.4 (MANE Select); coding-DNA position 1773, A replaced by G.
Protein change: p.Val591=; no amino-acid change (valine 591 retained).
Molecular consequence: synonymous variant.
Genome position (GRCh38, 1-based): chr2:230,172,108, T>C on the plus strand (A>G on the coding strand, the complement: SP110 is on the minus strand). VCF-style: chr2-230172108-T-C. GRCh37 (hg19) VCF-style: chr2-231036824-T-C.
Other names: c.1791A>G, p.Val597= (NM_001378442.1, NM_001378444.1, NM_001378445.1 and 1 more transcripts); c.1773A>G, p.Val591= (NM_001378443.1, NM_004509.5).
Identifiers: ClinVar variation 2651990 (VCV002651990.22), dbSNP rs764835902, ClinGen allele CA2154355.
Genomic context (GRCh38, chr2:230,172,108, plus strand): 5'-GGTTTGCATCCAACTCACCAGCTGGTCCTGAGGCTGCATCTGCCTCTCCAGGGTCTTAGA[T>C]ACATGATGGCACTGTTGGCTTCCTGAAGACCTCTTCATCCTGCAGAAGGTGCAACTCCAC-3'
Protein context (NP_536349.3, residues 581-601): RSSGSQQCHH[Val591=]SKTLERQMQP